The following is an entry in ClinVar:

NM_000551.4(VHL):c.184G>C (p.Val62Leu)

Gene: VHL (von Hippel-Lindau tumor suppressor; plus strand). Cytogenetic location: 3p25.3.
Variant type: single nucleotide variant.
Coding change: c.184G>C on transcript NM_000551.4 (MANE Select); coding-DNA position 184, G replaced by C.
Protein change: p.Val62Leu; replaces valine 62 with leucine.
Molecular consequence: missense variant.
Genome position (GRCh38, 1-based): chr3:10,142,031, G>C. VCF-style: chr3-10142031-G-C. GRCh37 (hg19) VCF-style: chr3-10183715-G-C.
Other names: c.184G>C, p.Val62Leu (NM_001354723.2, NM_198156.3); short protein forms V62L.
Identifiers: ClinVar variation 999514 (VCV000999514.8), dbSNP rs747861291, ClinGen allele CA351748731.

ClinVar aggregate classification (germline): Conflicting classifications of pathogenicity. Review status: criteria provided, conflicting classifications (1 of 4 stars). 2 submissions from 2 submitters: Uncertain significance (1); Likely benign (1). Last evaluated 2025-04-14.

Conditions:
Hereditary cancer-predisposing syndrome. Also called: Neoplastic Syndromes, Hereditary; Hereditary neoplastic syndrome; Hereditary Cancer Syndrome; Tumor predisposition. Identifiers: Orphanet 140162, MedGen C0027672, MeSH D009386, MONDO:0015356.
Chuvash polycythemia. Also called: POLYCYTHEMIA, VHL-DEPENDENT. Identifiers: Orphanet 238557, MedGen C1837915, MONDO:0009892, OMIM 263400.
Von Hippel-Lindau syndrome (VHLS). Also called: VHL syndrome; Von Hippel-Lindau; von Hippel–Lindau syndrome. Identifiers: Orphanet 892, MedGen C0019562, MONDO:0008667, OMIM 193300. Disease mechanism: loss of function.

Allele frequency attached by ClinVar (database versions not stated): gnomAD 0.00001.

Submissions (2):

Labcorp Genetics (formerly Invitae), Labcorp
Classification: Uncertain significance for Von Hippel-Lindau syndrome; Chuvash polycythemia. Last evaluated: 2025-04-14. Review status: criteria provided, single submitter. Criteria: Invitae Variant Classification Sherloc (09022015). Collection method: clinical testing. Allele origin: germline.
Comment: This sequence change replaces valine, which is neutral and non-polar, with leucine, which is neutral and non-polar, at codon 62 of the VHL protein (p.Val62Leu). This variant is not present in population databases (gnomAD no frequency). This variant has not been reported in the literature in individuals affected with VHL-related conditions. ClinVar contains an entry for this variant (Variation ID: 999514). Invitae Evidence Modeling of protein sequence and biophysical properties (such as structural, functional, and spatial information, amino acid conservation, physicochemical variation, residue mobility, and thermodynamic stability) has been performed for this missense variant. However, the output from this modeling did not meet the statistical confidence thresholds required to predict the impact of this variant on VHL protein function. In summary, the available evidence is currently insufficient to determine the role of this variant in disease. Therefore, it has been classified as a Variant of Uncertain Significance.

Ambry Genetics
Classification: Likely benign for Hereditary cancer-predisposing syndrome. Last evaluated: 2024-12-12. Review status: criteria provided, single submitter. Criteria: Ambry Variant Classification Scheme 2023. Collection method: clinical testing. Allele origin: germline.

Literature cited by the submitters: PubMed 38969834 (cited by Ambry Genetics).